The following is an entry in ClinVar:

NM_025137.4(SPG11):c.716C>T (p.Ala239Val)

Gene: SPG11 (SPG11 vesicle trafficking associated, spatacsin; minus strand). Cytogenetic location: 15q21.1.
Variant type: single nucleotide variant.
Coding change: c.716C>T on transcript NM_025137.4 (MANE Select); coding-DNA position 716, C replaced by T.
Protein change: p.Ala239Val; replaces alanine 239 with valine.
Molecular consequence: missense variant.
Genome position (GRCh38, 1-based): chr15:44,657,248, G>A on the plus strand (C>T on the coding strand, the complement: SPG11 is on the minus strand). VCF-style: chr15-44657248-G-A. GRCh37 (hg19) VCF-style: chr15-44949446-G-A.
Other names: c.716C>T, p.Ala239Val (NM_001160227.2); short protein forms A239V.
Identifiers: ClinVar variation 1376541 (VCV001376541.7), dbSNP rs764680914, ClinGen allele CA7535738.

ClinVar aggregate classification (germline): Uncertain significance. Review status: criteria provided, multiple submitters, no conflicts (2 of 4 stars). 2 submissions from 2 submitters: Uncertain significance (2). Last evaluated 2021-11-09.

Conditions:
Hereditary spastic paraplegia 11. Also called: Spastic paraplegia, mental retardation and thin corpus callosum; SPASTIC PARAPLEGIA, AUTOSOMAL RECESSIVE, COMPLICATED, WITH THIN CORPUS CALLOSUM; SPASTIC PARAPLEGIA, AUTOSOMAL RECESSIVE, WITH MENTAL IMPAIRMENT AND THIN CORPUS CALLOSUM; Nakamura Osame syndrome; Autosomal recessive hereditary spastic paraplegia, mental impairment, and thin corpus callosum; Spastic Paraplegia 11. Identifiers: Orphanet 2822, MedGen C1858479, MONDO:0011445, OMIM 604360.
Inborn genetic diseases. Identifiers: MedGen C0950123, MeSH D030342.

Allele frequency attached by ClinVar (database versions not stated): ExAC 0.00001; gnomAD 0.00001; gnomAD exomes 0.00001; TOPMed 0.00001.
gnomAD v4.1: 18 of 1,614,052 alleles (0.0011%); highest among the groups gnomAD compares: South Asian, 0.0044%; no homozygotes.

Submissions (2):

Ambry Genetics
Classification: Uncertain significance for Inborn genetic diseases. Last evaluated: 2021-11-09. Review status: criteria provided, single submitter. Criteria: Ambry Variant Classification Scheme 2023. Collection method: clinical testing. Allele origin: germline.
Comment: The p.A239V variant (also known as c.716C>T), located in coding exon 4 of the SPG11 gene, results from a C to T substitution at nucleotide position 716. The alanine at codon 239 is replaced by valine, an amino acid with similar properties. This amino acid position is not well conserved in available vertebrate species. In addition, this alteration is predicted to be tolerated by in silico analysis. Since supporting evidence is limited at this time, the clinical significance of this alteration remains unclear.

Labcorp Genetics (formerly Invitae), Labcorp
Classification: Uncertain significance for Hereditary spastic paraplegia 11. Last evaluated: 2021-09-24. Review status: criteria provided, single submitter. Criteria: Invitae Variant Classification Sherloc (09022015). Collection method: clinical testing. Allele origin: germline.
Comment: This sequence change replaces alanine with valine at codon 239 of the SPG11 protein (p.Ala239Val). The alanine residue is moderately conserved and there is a small physicochemical difference between alanine and valine. This variant is present in population databases (rs764680914, ExAC 0.006%). This variant has not been reported in the literature in individuals with SPG11-related conditions. Algorithms developed to predict the effect of missense changes on protein structure and function (SIFT, PolyPhen-2, Align-GVGD) all suggest that this variant is likely to be tolerated, but these predictions have not been confirmed by published functional studies and their clinical significance is uncertain. In summary, the available evidence is currently insufficient to determine the role of this variant in disease. Therefore, it has been classified as a Variant of Uncertain Significance.